The following is an entry in ClinVar:

ClinVar aggregate classification (germline): Likely pathogenic (1 of 4 stars; one submission).

Submission:

Labcorp Genetics (formerly Invitae), Labcorp
Classification: Likely pathogenic. Last evaluated: 2020-11-27. Review status: criteria provided, single submitter. Criteria: Invitae Variant Classification Sherloc (09022015). Collection method: clinical testing. Allele origin: germline.
Comment: In summary, the currently available evidence indicates that the variant is pathogenic, but additional data are needed to prove that conclusively. Therefore, this variant has been classified as Likely Pathogenic. This variant disrupts the p.Cys371 amino acid residue in COMP. Other variant(s) that disrupt this residue have been observed in individuals with COMP-related conditions (PMID: 9184241, 12483304, 21965141), which suggests that this may be a clinically significant amino acid residue. Advanced modeling of protein sequence and biophysical properties (such as structural, functional, and spatial information, amino acid conservation, physicochemical variation, residue mobility, and thermodynamic stability) performed at Invitae indicates that this missense variant is expected to disrupt COMP protein function. This variant has not been reported in the literature in individuals with COMP-related conditions. This variant is not present in population databases (ExAC no frequency). This sequence change replaces cysteine with arginine at codon 371 of the COMP protein (p.Cys371Arg). The cysteine residue is highly conserved and there is a large physicochemical difference between cysteine and arginine.

Literature cited by the submitters: PubMed 9184241; PubMed 12483304; PubMed 21965141.

NM_000095.3(COMP):c.1111T>C (p.Cys371Arg)

Gene: COMP (cartilage oligomeric matrix protein; minus strand). Cytogenetic location: 19p13.11.
Variant type: single nucleotide variant.
Coding change: c.1111T>C on transcript NM_000095.3 (MANE Select); coding-DNA position 1111, T replaced by C.
Protein change: p.Cys371Arg; replaces cysteine 371 with arginine.
Molecular consequence: missense variant.
Genome position (GRCh38, 1-based): chr19:18,787,515, A>G on the plus strand (T>C on the coding strand, the complement: COMP is on the minus strand). VCF-style: chr19-18787515-A-G. GRCh37 (hg19) VCF-style: chr19-18898324-A-G.
Other names: short protein forms C371R.
Identifiers: ClinVar variation 1471865 (VCV001471865.8), dbSNP rs2145902164, ClinGen allele CA404887847.